The following is an entry in ClinVar:

NM_020458.4(TTC7A):c.191T>A (p.Phe64Tyr)

Gene: TTC7A (tetratricopeptide repeat domain 7A; plus strand). Cytogenetic location: 2p21.
Variant type: single nucleotide variant.
Coding change: c.191T>A on transcript NM_020458.4 (MANE Select); coding-DNA position 191, T replaced by A.
Protein change: p.Phe64Tyr; replaces phenylalanine 64 with tyrosine.
Molecular consequence: missense variant. On other transcripts: 5 prime UTR variant (1).
Genome position (GRCh38, 1-based): chr2:46,950,369, T>A. VCF-style: chr2-46950369-T-A. GRCh37 (hg19) VCF-style: chr2-47177508-T-A.
Other names: c.191T>A, p.Phe64Tyr (NM_001288951.2); c.89T>A, p.Phe30Tyr (NM_001288953.2); c.-714T>A (NM_001288955.2); short protein forms F30Y, F64Y.
Identifiers: ClinVar variation 2997075 (VCV002997075.3), dbSNP rs2466213540, ClinGen allele CA346716712.

ClinVar aggregate classification (germline): Uncertain significance (1 of 4 stars; one submission).

Conditions:
Multiple gastrointestinal atresias. Also called: FAMILIAL INTESTINAL POLYATRESIA SYNDROME; Multiple intestinal atresia. Identifiers: Orphanet 2300, MedGen C0220744, MONDO:0009465.

Allele frequency attached by ClinVar (database versions not stated): gnomAD exomes below 0.00001.
gnomAD v4.1: 1 of 1,613,962 alleles (0.000062%); highest among the groups gnomAD compares: African/African-American, 0.0013%; no homozygotes.

Submission:

Labcorp Genetics (formerly Invitae), Labcorp
Classification: Uncertain significance for Multiple gastrointestinal atresias. Last evaluated: 2024-10-16. Review status: criteria provided, single submitter. Criteria: Invitae Variant Classification Sherloc (09022015). Collection method: clinical testing. Allele origin: germline.
Comment: This sequence change replaces phenylalanine, which is neutral and non-polar, with tyrosine, which is neutral and polar, at codon 64 of the TTC7A protein (p.Phe64Tyr). This variant is not present in population databases (gnomAD no frequency). This variant has not been reported in the literature in individuals affected with TTC7A-related conditions. Invitae Evidence Modeling of protein sequence and biophysical properties (such as structural, functional, and spatial information, amino acid conservation, physicochemical variation, residue mobility, and thermodynamic stability) indicates that this missense variant is not expected to disrupt TTC7A protein function with a negative predictive value of 80%. In summary, the available evidence is currently insufficient to determine the role of this variant in disease. Therefore, it has been classified as a Variant of Uncertain Significance.